The following is an entry in ClinVar:

ClinVar aggregate classification (germline): Uncertain significance. Review status: criteria provided, multiple submitters, no conflicts (2 of 4 stars). 3 submissions from 3 submitters: Uncertain significance (3). Last evaluated 2024-09-25.

Conditions:
Hereditary cancer-predisposing syndrome. Also called: Hereditary neoplastic syndrome; Neoplastic Syndromes, Hereditary; Tumor predisposition; Hereditary Cancer Syndrome. Identifiers: Orphanet 140162, MedGen C0027672, MeSH D009386, MONDO:0015356.
Ataxia-telangiectasia syndrome (AT). Also called: Ataxia telangiectasia (A-T); LOUIS-BAR SYNDROME; Cerebello-oculocutaneous telangiectasia; Immunodeficiency with ataxia telangiectasia; Ataxia-telangiectasia, complementation group D; AT, COMPLEMENTATION GROUP C. Identifiers: Orphanet 100, MedGen C0004135, MONDO:0008840, OMIM 208900.

Allele frequency attached by ClinVar (database versions not stated): gnomAD exomes below 0.00001.
gnomAD v4.1: 1 of 1,610,342 alleles (0.000062%); highest among the groups gnomAD compares: Non-Finnish European, 0.000085%; no homozygotes.

Submissions (3):

Ambry Genetics
Classification: Uncertain significance for Hereditary cancer-predisposing syndrome. Last evaluated: 2024-09-25. Review status: criteria provided, single submitter. Criteria: Ambry Variant Classification Scheme 2023. Collection method: clinical testing. Allele origin: germline.
Comment: The p.L2750S variant (also known as c.8249T>C), located in coding exon 55 of the ATM gene, results from a T to C substitution at nucleotide position 8249. The leucine at codon 2750 is replaced by serine, an amino acid with dissimilar properties. This amino acid position is highly conserved in available vertebrate species. In addition, this alteration is predicted to be deleterious by in silico analysis. Since supporting evidence is limited at this time, the clinical significance of this alteration remains unclear.

Molecular Diagnostics Laboratory, Catalan Institute of Oncology
Classification: Uncertain significance for Hereditary cancer-predisposing syndrome. Last evaluated: 2024-09-16. Review status: criteria provided, single submitter. Criteria: ClinGen ACMG Specifications ATM V1.1.0. Collection method: clinical testing. Allele origin: germline.
Comment: PM2_Suporting, PP3 c.8249T>C located in exon 56 of the ATM gene, is predicted to result in the substitution of leucine by serine at codon 2750, p.(Leu2750Ser). It is not present in the population database gnomAD v2.1.1 (non-cancer, exome only subset) (PM2_supporting). The SpliceAI algorithm predicts no significant impact on splicing and the REVEL meta-predictor score for this variant (0.942) suggests a deleterious effect on protein function (PP3). In addition, the variant was also identified in the ClinVar (2x uncertain significance) but is not present in LOVD database). Based on currently available information, the variant c.8249T>C is classified as an uncertain significance variant according to ClinGen-ATM Guidelines version v1.1.

Labcorp Genetics (formerly Invitae), Labcorp
Classification: Uncertain significance for Ataxia-telangiectasia syndrome. Last evaluated: 2023-10-13. Review status: criteria provided, single submitter. Criteria: Invitae Variant Classification Sherloc (09022015). Collection method: clinical testing. Allele origin: germline.
Comment: This sequence change replaces leucine, which is neutral and non-polar, with serine, which is neutral and polar, at codon 2750 of the ATM protein (p.Leu2750Ser). This variant is not present in population databases (gnomAD no frequency). This variant has not been reported in the literature in individuals affected with ATM-related conditions. ClinVar contains an entry for this variant (Variation ID: 1762613). An algorithm developed to predict the effect of missense changes on protein structure and function (PolyPhen-2) suggests that this variant is likely to be disruptive. In summary, the available evidence is currently insufficient to determine the role of this variant in disease. Therefore, it has been classified as a Variant of Uncertain Significance.

NM_000051.4(ATM):c.8249T>C (p.Leu2750Ser)

Genes: ATM (ATM serine/threonine kinase; plus strand), C11orf65 (chromosome 11 open reading frame 65; minus strand). Cytogenetic location: 11q22.3.
Variant type: single nucleotide variant.
Coding change: c.8249T>C on transcript NM_000051.4 (MANE Select); coding-DNA position 8249, T replaced by C.
Protein change: p.Leu2750Ser; replaces leucine 2750 with serine.
Molecular consequence: missense variant. On other transcripts: intron variant (2).
Genome position (GRCh38, 1-based): chr11:108,335,942, T>C. VCF-style: chr11-108335942-T-C. GRCh37 (hg19) VCF-style: chr11-108206669-T-C.
Other names: c.8249T>C, p.Leu2750Ser (NM_001351834.2); c.641-26871A>G (NM_001330368.2); c.695-650A>G (NM_001351110.2); short protein forms L2750S.
Identifiers: ClinVar variation 1762613 (VCV001762613.8), dbSNP rs2136699335, ClinGen allele CA382562663.
Genomic context (GRCh38, chr11:108,335,942, plus strand): 5'-AGGTCTTCCAGATGTGTAATACATTACTGCAGAGAAACACGGAAACTAGGAAGAGGAAAT[T>C]AACTATCTGTACTTATAAGGTAACTATTTGTACTTCTGTTAGTTCACCAAAAACATATAA-3'
Protein context (NP_000042.3, residues 2740-2760): QRNTETRKRK[Leu2750Ser]TICTYKVVPL